The following is an entry in ClinVar:

ClinVar aggregate classification (germline): Pathogenic (1 of 4 stars; one submission).

Conditions:
Hereditary cancer-predisposing syndrome. Also called: Neoplastic Syndromes, Hereditary; Tumor predisposition; Hereditary Cancer Syndrome; Hereditary neoplastic syndrome. Identifiers: Orphanet 140162, MedGen C0027672, MeSH D009386, MONDO:0015356.

Submission:

Ambry Genetics
Classification: Pathogenic for Hereditary cancer-predisposing syndrome. Last evaluated: 2026-01-27. Review status: criteria provided, single submitter. Criteria: Ambry Variant Classification Scheme 2023. Collection method: clinical testing. Allele origin: germline.
Comment: The c.3255_3256delGCins10 variant, located in coding exon 12 of the PALB2 gene, results from the deletion of two nucleotides and insertion of 10 nucleotides causing a translational frameshift with a predicted alternate stop codon (p.L1085Ffs*13). This variant is considered to be rare based on population cohorts in the Genome Aggregation Database (gnomAD). This alteration is expected to result in loss of function by premature protein truncation or nonsense-mediated mRNA decay. As such, this alteration is interpreted as a disease-causing mutation.

NM_024675.4(PALB2):c.3255_3256delinsTCAGCTCACT (p.Leu1085fs)

Gene: PALB2 (partner and localizer of BRCA2; minus strand). Cytogenetic location: 16p12.2.
Variant type: Indel.
Coding change: c.3255_3256delinsTCAGCTCACT on transcript NM_024675.4 (MANE Select); coding-DNA positions 3255 to 3256, GC replaced by TCAGCTCACT.
Protein change: p.Leu1085fs; shifts the reading frame from leucine 1085.
Molecular consequence: frameshift variant. On other transcripts: intron variant (8).
Genome position (GRCh38, 1-based): chr16:23,607,958-23,607,959, GC replaced by AGTGAGCTGA on the plus strand (GC replaced by TCAGCTCACT on the coding strand, the reverse complement: PALB2 is on the minus strand). VCF-style: chr16-23607958-GC-AGTGAGCTGA. GRCh37 (hg19) VCF-style: chr16-23619279-GC-AGTGAGCTGA.
Other names: c.3195_3196delinsTCAGCTCACT, p.Leu1065fs (NM_001407296.1); c.3183_3184delinsTCAGCTCACT, p.Leu1061fs (NM_001407297.1); c.3093_3094delinsTCAGCTCACT, p.Leu1031fs (NM_001407298.1); c.2976_2977delinsTCAGCTCACT, p.Leu992fs (NM_001407300.1); c.2370_2371delinsTCAGCTCACT, p.Leu790fs (NM_001407304.1, NM_001407305.1, NM_001407306.1); c.2208_2209delinsTCAGCTCACT, p.Leu736fs (NM_001407307.1); c.1467_1468delinsTCAGCTCACT, p.Leu489fs (NM_001407312.1); c.789_790delinsTCAGCTCACT, p.Leu263fs (NM_001407314.1); and 6 more; short protein forms L736fs, L992fs, L1031fs, L1065fs, L489fs, L1061fs, L1085fs, L263fs.
Identifiers: ClinVar variation 4825299 (VCV004825299.1).